The following is an entry in ClinVar:

NM_006231.4(POLE):c.1207A>G (p.Ile403Val)

Gene: POLE (DNA polymerase epsilon, catalytic subunit; minus strand). Cytogenetic location: 12q24.33.
Variant type: single nucleotide variant.
Coding change: c.1207A>G on transcript NM_006231.4 (MANE Select); coding-DNA position 1207, A replaced by G.
Protein change: p.Ile403Val; replaces isoleucine 403 with valine.
Molecular consequence: missense variant.
Genome position (GRCh38, 1-based): chr12:132,675,417, T>C on the plus strand (A>G on the coding strand, the complement: POLE is on the minus strand). VCF-style: chr12-132675417-T-C. GRCh37 (hg19) VCF-style: chr12-133252003-T-C.
Other names: short protein forms I403V.
Identifiers: ClinVar variation 3422089 (VCV003422089.1).

ClinVar aggregate classification (germline): Uncertain significance (1 of 4 stars; one submission).

Conditions:
Hereditary cancer-predisposing syndrome. Also called: Neoplastic Syndromes, Hereditary; Tumor predisposition; Hereditary Cancer Syndrome; Hereditary neoplastic syndrome. Identifiers: Orphanet 140162, MedGen C0027672, MeSH D009386, MONDO:0015356.

Submission:

Ambry Genetics
Classification: Uncertain significance for Hereditary cancer-predisposing syndrome. Last evaluated: 2024-08-07. Review status: criteria provided, single submitter. Criteria: Ambry Variant Classification Scheme 2023. Collection method: clinical testing. Allele origin: germline.
Comment: The p.I403V variant (also known as c.1207A>G), located in coding exon 12 of the POLE gene, results from an A to G substitution at nucleotide position 1207. The isoleucine at codon 403 is replaced by valine, an amino acid with highly similar properties. This amino acid position is conserved. In addition, this alteration is predicted to be tolerated by in silico analysis. Based on the available evidence, the clinical significance of this variant remains unclear.